The following is an entry in ClinVar:

NM_004415.4(DSP):c.4886G>T (p.Ser1629Ile)

Gene: DSP (desmoplakin; plus strand). Cytogenetic location: 6p24.3.
Variant type: single nucleotide variant.
Coding change: c.4886G>T on transcript NM_004415.4 (MANE Select); coding-DNA position 4886, G replaced by T.
Protein change: p.Ser1629Ile; replaces serine 1629 with isoleucine.
Molecular consequence: missense variant. On other transcripts: intron variant (2).
Genome position (GRCh38, 1-based): chr6:7,581,076, G>T. VCF-style: chr6-7581076-G-T. GRCh37 (hg19) VCF-style: chr6-7581309-G-T.
Other names: c.4050+836G>T (NM_001319034.2); c.3582+1304G>T (NM_001008844.3); c.4886G>T (LRG_423t1); short protein forms S1629I.
Identifiers: ClinVar variation 180330 (VCV000180330.20), dbSNP rs200243976, ClinGen allele CA004187.

ClinVar aggregate classification (germline): Conflicting classifications of pathogenicity. Review status: criteria provided, conflicting classifications (1 of 4 stars). 8 submissions from 6 submitters: Uncertain significance (4); Benign (1); Likely benign (3). Last evaluated 2025-05-25.

Conditions:
Cardiovascular phenotype. Identifiers: MedGen CN230736.
Arrhythmogenic cardiomyopathy with wooly hair and keratoderma. Also called: Dilated cardiomyopathy with woolly hair and keratoderma; PALMOPLANTAR KERATODERMA WITH LEFT VENTRICULAR CARDIOMYOPATHY AND WOOLLY HAIR; Carvajal syndrome; Arrhythmogenic cardiomyopathy with woolly hair and keratoderma. Identifiers: Orphanet 65282, MedGen C1854063, MONDO:0011581, OMIM 605676.
Arrhythmogenic right ventricular dysplasia 8 (ARVD8). Also called: Arrhythmogenic Right Ventricular Dysplasia/Cardiomyopathy 8; ARRHYTHMOGENIC RIGHT VENTRICULAR DYSPLASIA, FAMILIAL, 8; ARRHYTHMOGENIC RIGHT VENTRICULAR CARDIOMYOPATHY 8. Identifiers: MedGen C1843896, MONDO:0011831, OMIM 607450.
Cardiomyopathy (CMYO). Also called: Cardiomyopathies. Identifiers: Orphanet 167848, MedGen C0878544, MONDO:0004994, HP:0001638. Inheritance: Various modes of inheritance.
Woolly hair-skin fragility syndrome (WHSF). Identifiers: Orphanet 293165, MedGen C1843292, MONDO:0957307, OMIM 620415.
Lethal acantholytic epidermolysis bullosa (EBLA). Identifiers: Orphanet 158687, MedGen C1864826, MONDO:0012323, OMIM 609638.

Allele frequency attached by ClinVar (database versions not stated): gnomAD 0.00003 and 0.00002; gnomAD exomes 0.00014 and 0.00005; TOPMed 0.00002; 1000 Genomes Project 0.00020; ExAC 0.00007; 1000 Genomes Project 30x 0.00016.
gnomAD v4.1: 196 of 1,614,082 alleles (0.012%); highest among the groups gnomAD compares: East Asian, 0.43%; no homozygotes.

Submissions (8):

Labcorp Genetics (formerly Invitae), Labcorp
Classification: Benign for Arrhythmogenic cardiomyopathy with wooly hair and keratoderma; Arrhythmogenic right ventricular dysplasia 8. Last evaluated: 2025-05-25. Review status: criteria provided, single submitter. Criteria: Invitae Variant Classification Sherloc (09022015). Collection method: clinical testing. Allele origin: germline.

Ambry Genetics
Classification: Likely benign for Cardiovascular phenotype. Last evaluated: 2023-11-03. Review status: criteria provided, single submitter. Criteria: Ambry Variant Classification Scheme 2023. Collection method: clinical testing. Allele origin: germline.

Color Diagnostics, LLC DBA Color Health
Classification: Likely benign for Cardiomyopathy. Last evaluated: 2019-11-22. Review status: criteria provided, single submitter. Criteria: ACMG Guidelines, 2015. Collection method: clinical testing. Allele origin: germline.

Center for Advanced Laboratory Medicine, UC San Diego Health, University of California San Diego
Classification: Likely benign for Cardiomyopathy. Last evaluated: 2019-01-22. Review status: criteria provided, single submitter. Criteria: ACMG Guidelines, 2015. Collection method: clinical testing. Allele origin: germline. Affected: yes. Observed: 1 variant allele.

Illumina Laboratory Services, Illumina
Classification: Uncertain significance for Lethal acantholytic epidermolysis bullosa. Last evaluated: 2018-01-12. Review status: criteria provided, single submitter. Criteria: ICSL Variant Classification Criteria 13 December 2019. Collection method: clinical testing. Allele origin: germline.

Illumina Laboratory Services, Illumina
Classification: Uncertain significance for Arrhythmogenic right ventricular dysplasia 8. Last evaluated: 2018-01-12. Review status: criteria provided, single submitter. Criteria: ICSL Variant Classification Criteria 13 December 2019. Collection method: clinical testing. Allele origin: germline.

Illumina Laboratory Services, Illumina
Classification: Uncertain significance for Arrhythmogenic cardiomyopathy with wooly hair and keratoderma. Last evaluated: 2018-01-12. Review status: criteria provided, single submitter. Criteria: ICSL Variant Classification Criteria 13 December 2019. Collection method: clinical testing. Allele origin: germline.

GeneDx
Classification: Uncertain significance. Last evaluated: 2016-12-29. Review status: criteria provided, single submitter. Criteria: GeneDx Variant Classification (06012015). Collection method: clinical testing. Allele origin: germline. Affected: yes.
Comment: A variant of uncertain significance has been identified in the DSP gene. The S1629I variant has not been published in association with cardiomyopathy, however, it has been reported in one healthy control individual (Kapplinger et al., 2011). This variant was not observed in approximately 6,500 individuals of European and African American ancestry in the NHLBI Exome Sequencing Project, indicating it is not a common benign variant in these populations. The S1629I variant is a non-conservative amino acid substitution, which is likely to impact secondary protein structure as these residues differ in polarity, charge, size and/or other properties. However, this substitution occurs at a position that is only conserved in mammals and in silico analysis is inconsistent in its predictions as to whether or not the variant is damaging to the protein structure/function. Therefore, based on the currently available information, it is unclear whether this variant is pathogenic or rare benign. This result cannot be interpreted for diagnosis or used for family member screening at this time.

Literature cited by the submitters: PubMed 21636032 (cited by Ambry Genetics).